The following is an entry in ClinVar:

ClinVar aggregate classification (germline): Pathogenic. Review status: criteria provided, single submitter (1 of 4 stars). 2 submissions from 2 submitters: Pathogenic (1). 1 of the submissions does not count toward it. Last evaluated 2025-02-19.

Conditions:
Polycystic kidney disease, adult type (PKD1). Also called: Polycystic Kidney Disease 1, Autosomal Dominant; Polycystic kidney disease 1; Polycystic kidney disease 1, severe; POLYCYSTIC KIDNEY DISEASE, ADULT, TYPE I; POLYCYSTIC KIDNEY DISEASE 1 WITH OR WITHOUT POLYCYSTIC LIVER DISEASE; Polycystic Kidney, Autosomal Dominant. Identifiers: MedGen C3149841, MONDO:0008263, OMIM 173900.

Submissions (2):

GeneDx
Classification: Pathogenic. Last evaluated: 2025-02-19. Review status: criteria provided, single submitter. Criteria: GeneDx Variant Classification Process June 2021. Collection method: clinical testing. Allele origin: germline. Affected: yes.
Comment: Nonsense variant predicted to result in protein truncation or nonsense mediated decay in a gene for which loss of function is a known mechanism of disease; Not observed at significant frequency in large population cohorts (gnomAD); This variant is associated with the following publications: (PMID: 22508176)

Bioscientia Institut fuer Medizinische Diagnostik GmbH, Sonic Healthcare
Classification: Pathogenic for Polycystic kidney disease, adult type. Last evaluated: 2020-03-25. Review status: no assertion criteria provided. Collection method: clinical testing. Allele origin: germline. Affected: yes. Not counted in ClinVar's aggregate classification.

NM_001009944.3(PKD1):c.3729G>A (p.Trp1243Ter)

Gene: PKD1 (polycystin 1, transient receptor potential channel interacting; minus strand). Cytogenetic location: 16p13.3.
Variant type: single nucleotide variant.
Coding change: c.3729G>A on transcript NM_001009944.3 (MANE Select); coding-DNA position 3729, G replaced by A.
Protein change: p.Trp1243Ter; replaces tryptophan 1243 with a stop codon.
Molecular consequence: nonsense.
Genome position (GRCh38, 1-based): chr16:2,111,438, C>T on the plus strand (G>A on the coding strand, the complement: PKD1 is on the minus strand). VCF-style: chr16-2111438-C-T. GRCh37 (hg19) VCF-style: chr16-2161439-C-T.
Other names: c.3729G>A, p.Trp1243Ter (NM_000296.4); short protein forms W1243*.
Identifiers: ClinVar variation 992460 (VCV000992460.3), dbSNP rs2092501936, ClinGen allele CA394382482.